The following is an entry in ClinVar:

NM_001371596.2(MFSD8):c.699-1G>C

Gene: MFSD8 (major facilitator superfamily domain containing 8; minus strand). Cytogenetic location: 4q28.2.
Variant type: single nucleotide variant.
Coding change: c.699-1G>C on transcript NM_001371596.2 (MANE Select); the canonical splice acceptor site of the intron before coding-DNA position 699, G replaced by C.
Molecular consequence: splice acceptor variant. On other transcripts: intron variant (5).
Genome position (GRCh38, 1-based): chr4:127,938,839, C>G on the plus strand (G>C on the coding strand, the complement: MFSD8 is on the minus strand). VCF-style: chr4-127938839-C-G. GRCh37 (hg19) VCF-style: chr4-128859994-C-G.
Other names: c.419-3G>C (NM_001371595.1); c.304+4913G>C (NM_001410765.1); c.564-1G>C (NM_001371590.2); c.699-1G>C (NM_152778.4, NM_001371591.2); c.439+4913G>C (NM_001363521.3); c.585-1G>C (NM_001410766.1, NM_001371593.2); c.553+3206G>C (NM_001363520.3); c.554-3G>C (NM_001371594.2); and 1 more.
Identifiers: ClinVar variation 836120 (VCV000836120.12), dbSNP rs1739594685, ClinGen allele CA358175291.

ClinVar aggregate classification (germline): Likely pathogenic. Review status: criteria provided, multiple submitters, no conflicts (2 of 4 stars). 3 submissions from 3 submitters: Likely pathogenic (3). Last evaluated 2024-04-08.

Conditions:
Late-infantile neuronal ceroid lipofuscinosis. Also called: Jansky-Bielschowsky disease. Identifiers: MedGen C0022340, MONDO:0015674.
Inborn genetic diseases. Identifiers: MedGen C0950123, MeSH D030342.
Neuronal ceroid lipofuscinosis 7 (CLN7). Also called: MFSD8-Related Neuronal Ceroid-Lipofuscinosis. Identifiers: Orphanet 168491, Orphanet 228366, MedGen C1838571, MONDO:0012588, OMIM 610951.

Submissions (3):

Natera, Inc.
Classification: Likely pathogenic for Late-infantile neuronal ceroid lipofuscinosis. Last evaluated: 2024-04-08. Review status: criteria provided, single submitter. Criteria: Natera Variant Classification Schema (03/2026). Collection method: clinical testing. Allele origin: germline.
Comment: The c.699-1G>C variant in MFSD8 is a canonical splice acceptor site variant predicted to affect pre-mRNA splicing, which may result in an abnormal transcript and altered protein product. This variant is expected to result in nonsense mediated decay, truncation, or a dysfunctional protein product. This variant is rare in the general population with a frequency below the threshold expected for the associated phenotype(s). Given the available evidence, this variant is classified as Likely Pathogenic.

Labcorp Genetics (formerly Invitae), Labcorp
Classification: Likely pathogenic for Neuronal ceroid lipofuscinosis 7. Last evaluated: 2023-01-15. Review status: criteria provided, single submitter. Criteria: Invitae Variant Classification Sherloc (09022015). Collection method: clinical testing. Allele origin: germline.
Comment: In summary, the currently available evidence indicates that the variant is pathogenic, but additional data are needed to prove that conclusively. Therefore, this variant has been classified as Likely Pathogenic. Algorithms developed to predict the effect of sequence changes on RNA splicing suggest that this variant may disrupt the consensus splice site. ClinVar contains an entry for this variant (Variation ID: 836120). This variant has not been reported in the literature in individuals affected with MFSD8-related conditions. This variant is not present in population databases (gnomAD no frequency). This sequence change affects an acceptor splice site in intron 7 of the MFSD8 gene. It is expected to disrupt RNA splicing. Variants that disrupt the donor or acceptor splice site typically lead to a loss of protein function (PMID: 16199547), and loss-of-function variants in MFSD8 are known to be pathogenic (PMID: 19177532, 25227500, 28586915).

Ambry Genetics
Classification: Likely pathogenic for Inborn genetic diseases. Last evaluated: 2021-08-04. Review status: criteria provided, single submitter. Criteria: Ambry Variant Classification Scheme 2023. Collection method: clinical testing. Allele origin: germline.
Comment: The c.699-1G>C intronic variant results from a G to C substitution one nucleotide before exon 8 (coding exon 7) of the MFSD8 gene. Alterations that disrupt the canonical splice site are expected to cause aberrant splicing, resulting in an abnormal protein or a transcript that is subject to nonsense-mediated mRNA decay. Based on data from the Genome Aggregation Database (gnomAD), the MFSD8 c.699-1G>C alteration was not observed, with coverage at this position. This nucleotide position is highly conserved in available vertebrate species. In silico splice site analysis predicts that this alteration will weaken the native splice acceptor site and will result in the creation or strengthening of a novel splice acceptor site. Based on the available evidence, this alteration is classified as likely pathogenic.

Literature cited by the submitters: PubMed 16199547 (cited by Labcorp Genetics (formerly Invitae), Labcorp); PubMed 19177532 (cited by Labcorp Genetics (formerly Invitae), Labcorp); PubMed 25227500 (cited by Labcorp Genetics (formerly Invitae), Labcorp); PubMed 28586915 (cited by Labcorp Genetics (formerly Invitae), Labcorp).